The following is an entry in ClinVar:

ClinVar aggregate classification (germline): Uncertain significance. Review status: criteria provided, multiple submitters, no conflicts (2 of 4 stars). 2 submissions from 2 submitters: Uncertain significance (2). Last evaluated 2022-12-02.

Conditions:
Usher syndrome type 1 (USH1). Also called: RETINITIS PIGMENTOSA AND CONGENITAL DEAFNESS. Identifiers: Orphanet 231169, Orphanet 886, MedGen C1568247, MONDO:0010168, OMIM 276900.

Allele frequency attached by ClinVar (database versions not stated): gnomAD exomes below 0.00001; TOPMed 0.00001; ExAC 0.00001.
gnomAD v4.1: 25 of 1,612,986 alleles (0.0015%); highest among the groups gnomAD compares: Non-Finnish European, 0.0021%; no homozygotes.

Submissions (2):

GeneDx
Classification: Uncertain significance. Last evaluated: 2022-12-02. Review status: criteria provided, single submitter. Criteria: GeneDx Variant Classification Process June 2021. Collection method: clinical testing. Allele origin: germline. Affected: yes.
Comment: Not observed at significant frequency in large population cohorts (gnomAD); In silico analysis supports that this missense variant does not alter protein structure/function; Has not been previously published as pathogenic or benign to our knowledge

Illumina Laboratory Services, Illumina
Classification: Uncertain significance for Usher syndrome type 1. Last evaluated: 2018-01-13. Review status: criteria provided, single submitter. Criteria: ICSL Variant Classification Criteria 13 December 2019. Collection method: clinical testing. Allele origin: germline.

NM_033056.4(PCDH15):c.5480G>T (p.Cys1827Phe)

Gene: PCDH15 (protocadherin related 15; minus strand). Cytogenetic location: 10q21.1.
Variant type: single nucleotide variant.
Coding change: c.5480G>T on transcript NM_033056.4 (MANE Plus Clinical); coding-DNA position 5480, G replaced by T.
Protein change: p.Cys1827Phe; replaces cysteine 1827 with phenylalanine.
Molecular consequence: missense variant. On other transcripts: intron variant (8).
Genome position (GRCh38, 1-based): chr10:53,822,246, C>A on the plus strand (G>T on the coding strand, the complement: PCDH15 is on the minus strand). VCF-style: chr10-53822246-C-A. GRCh37 (hg19) VCF-style: chr10-55582006-C-A.
Other names: c.5501G>T, p.Cys1834Phe (NM_001142763.2); c.5486G>T, p.Cys1829Phe (NM_001142764.2); c.5273G>T, p.Cys1758Phe (NM_001142765.2); c.5471G>T, p.Cys1824Phe (NM_001142766.2); c.5360G>T, p.Cys1787Phe (NM_001142767.2); c.5420G>T, p.Cys1807Phe (NM_001142768.2); c.5411G>T, p.Cys1804Phe (NM_001142773.2); c.5414G>T, p.Cys1805Phe (NM_001354404.2); and 7 more; short protein forms C1827F, C1829F, C1758F, C1804F, C1834F, C1787F, C1805F, C1807F.
Identifiers: ClinVar variation 300169 (VCV000300169.6), dbSNP rs776844300, ClinGen allele CA5505026.